The following is an entry in ClinVar:

NM_000431.4(MVK):c.677+1G>A

Gene: MVK (mevalonate kinase; plus strand). Cytogenetic location: 12q24.11.
Variant type: single nucleotide variant.
Coding change: c.677+1G>A on transcript NM_000431.4 (MANE Select); the canonical splice donor site of the intron after coding-DNA position 677, G replaced by A.
Molecular consequence: splice donor variant.
Genome position (GRCh38, 1-based): chr12:109,586,800, G>A. VCF-style: chr12-109586800-G-A. GRCh37 (hg19) VCF-style: chr12-110024605-G-A.
Other names: c.677+1G>A (NM_001414511.1, NM_001414512.1, NM_001414513.1 and 1 more transcripts); c.521+1G>A (NM_001414514.1, NM_001301182.2); c.95+1G>A (NM_001414515.1).
Identifiers: ClinVar variation 3574238 (VCV003574238.3).

ClinVar aggregate classification (germline): Likely pathogenic. Review status: criteria provided, multiple submitters, no conflicts (2 of 4 stars). 2 submissions from 2 submitters: Likely pathogenic (2). Last evaluated 2024-06-01.

Conditions:
Mevalonic aciduria (MEVA). Identifiers: Orphanet 29, MedGen C1959626, MONDO:0012481, OMIM 610377.
Hyperimmunoglobulin D with periodic fever (HIDS). Also called: Hyperimmunoglobulinemia D with periodic fever; Hyperimmunoglobulinemia D; HYPERIMMUNOGLOBULINEMIA D AND PERIODIC FEVER SYNDROME. Identifiers: Orphanet 343, MedGen C0398691, MONDO:0009849, OMIM 260920.
Porokeratosis 3, disseminated superficial actinic type (POROK3). Also called: POROKERATOSIS 3, MULTIPLE TYPES; POROKERATOSIS 3, MIBELLI TYPE; POROKERATOSIS, DISSEMINATED SUPERFICIAL ACTINIC, 1. Identifiers: MedGen C1867981, MONDO:0008293, OMIM 175900.

Submissions (2):

Labcorp Genetics (formerly Invitae), Labcorp
Classification: Likely pathogenic for Mevalonic aciduria; Hyperimmunoglobulin D with periodic fever; Porokeratosis 3, disseminated superficial actinic type. Last evaluated: 2024-06-01. Review status: criteria provided, single submitter. Criteria: Invitae Variant Classification Sherloc (09022015). Collection method: clinical testing. Allele origin: germline.
Comment: This sequence change affects a donor splice site in intron 7 of the MVK gene. It is expected to disrupt RNA splicing. Variants that disrupt the donor or acceptor splice site typically lead to a loss of protein function (PMID: 16199547), and loss-of-function variants in MVK are known to be pathogenic (PMID: 16835861, 17105862, 23834120). This variant is not present in population databases (gnomAD no frequency). This variant has not been reported in the literature in individuals affected with MVK-related conditions. Algorithms developed to predict the effect of sequence changes on RNA splicing suggest that this variant may disrupt the consensus splice site. In summary, the currently available evidence indicates that the variant is pathogenic, but additional data are needed to prove that conclusively. Therefore, this variant has been classified as Likely Pathogenic.

Fulgent Genetics
Classification: Likely pathogenic for Porokeratosis 3, disseminated superficial actinic type; Hyperimmunoglobulin D with periodic fever; Mevalonic aciduria. Last evaluated: 2024-02-10. Review status: criteria provided, single submitter. Criteria: ACMG Guidelines, 2015. Collection method: clinical testing. Allele origin: germline.

Literature cited by the submitters: PubMed 16199547 (cited by Labcorp Genetics (formerly Invitae), Labcorp); PubMed 16835861 (cited by Labcorp Genetics (formerly Invitae), Labcorp); PubMed 17105862 (cited by Labcorp Genetics (formerly Invitae), Labcorp); PubMed 23834120 (cited by Labcorp Genetics (formerly Invitae), Labcorp).